The following is an entry in ClinVar:

NM_002857.4(PEX19):c.433-11G>T

Gene: PEX19 (peroxisomal biogenesis factor 19; minus strand). Cytogenetic location: 1q23.2.
Variant type: single nucleotide variant.
Coding change: c.433-11G>T on transcript NM_002857.4 (MANE Select); 11 bases into the intron before coding-DNA position 433, G replaced by T.
Molecular consequence: intron variant.
Genome position (GRCh38, 1-based): chr1:160,282,211, C>A on the plus strand (G>T on the coding strand, the complement: PEX19 is on the minus strand). VCF-style: chr1-160282211-C-A. GRCh37 (hg19) VCF-style: chr1-160252001-C-A.
Other names: c.433-11G>T (NM_001193644.1).
Identifiers: ClinVar variation 293229 (VCV000293229.20), dbSNP rs41265791, ClinGen allele CA1197359.
Genomic context (GRCh38, chr1:160,282,211, plus strand): 5'-CCTAGCCCCTCCATGGCCTTGGTCAGCTCTTCTTCCGACATGCTGGAGTTCTAGATAGGA[C>A]AAGTAAGAGGTGAGCAGGTATACTACCTTCTTGGGATGCTCACCACTCTCTCAGGTGACA-3'

ClinVar aggregate classification (germline): Benign/Likely benign. Review status: criteria provided, multiple submitters, no conflicts (2 of 4 stars). 5 submissions from 5 submitters: Benign (2); Likely benign (2). 1 of the submissions does not count toward it. Last evaluated 2026-02-04.

Conditions:
Peroxisome biogenesis disorder 12A (Zellweger). Also called: Peroxisome biogenesis disorder 12A. Identifiers: Orphanet 912, MedGen C3554002, MONDO:0013951, OMIM 614886.

Allele frequency attached by ClinVar (database versions not stated): 1000 Genomes Project 30x 0.01640; 1000 Genomes Project 0.01697; TOPMed 0.02431; gnomAD 0.02550 and 0.02551; ESP Exome Variant Server 0.02799.
gnomAD v4.1: 50,290 of 1,613,712 alleles (3.1%); highest among the groups gnomAD compares: Non-Finnish European, 3.5%; 884 homozygotes.

Submissions (5):

Labcorp Genetics (formerly Invitae), Labcorp
Classification: Benign for Peroxisome biogenesis disorder 12A (Zellweger). Last evaluated: 2026-02-04. Review status: criteria provided, single submitter. Criteria: Invitae Variant Classification Sherloc (09022015). Collection method: clinical testing. Allele origin: germline.

GeneDx
Classification: Likely benign. Last evaluated: 2021-02-08. Review status: criteria provided, single submitter. Criteria: GeneDx Variant Classification Process June 2021. Collection method: clinical testing. Allele origin: germline. Affected: yes.

Illumina Laboratory Services, Illumina
Classification: Benign for Peroxisome biogenesis disorder 12A (Zellweger). Last evaluated: 2018-01-12. Review status: criteria provided, single submitter. Criteria: ICSL Variant Classification Criteria 13 December 2019. Collection method: clinical testing. Allele origin: germline.
Comment: This variant was observed in the ICSL laboratory as part of a predisposition screen in an ostensibly healthy population. It had not been previously curated by ICSL or reported in the Human Gene Mutation Database (HGMD: prior to June 1st, 2018), and was therefore a candidate for classification through an automated scoring system. Utilizing variant allele frequency, disease prevalence and penetrance estimates, and inheritance mode, an automated score was calculated to assess if this variant is too frequent to cause the disease. Based on the score and internal cut-off values, a variant classified as benign is not then subjected to further curation. The score for this variant resulted in a classification of benign for this disease.

Breakthrough Genomics
Classification: Likely benign. Review status: criteria provided, single submitter. Criteria: ACMG Guidelines, 2015. Collection method: not provided. Allele origin: germline. Inheritance: Autosomal recessive inheritance. Affected: yes.

Mayo Clinic Laboratories, Mayo Clinic
Classification: Benign. Last evaluated: 2017-07-12. Review status: no assertion criteria provided. Collection method: clinical testing. Allele origin: unknown. Not counted in ClinVar's aggregate classification.